The following is an entry in ClinVar:

NM_001267550.2(TTN):c.100112del (p.Thr33371fs)

Genes: TTN-AS1 (TTN antisense RNA 1; plus strand), TTN (titin; minus strand), LOC126806420 (BRD4-independent group 4 enhancer GRCh37_chr2:179401104-179402303; plus strand). Cytogenetic location: 2q31.2.
Variant type: Deletion.
Coding change: c.100112del on transcript NM_001267550.2 (MANE Select); coding-DNA position 100112, one base deleted (C; older notation c.100112delC).
Protein change: p.Thr33371fs; shifts the reading frame from threonine 33371.
Molecular consequence: frameshift variant.
Genome position (GRCh38, 1-based): chr2:178,536,997, G deleted on the plus strand (C on the coding strand, the reverse complement: TTN is on the minus strand). VCF-style (leftmost placement, unchanged base first): chr2-178536996-AG-A. GRCh37 (hg19) VCF-style: chr2-179401723-AG-A.
Other names: c.95189del, p.Thr31730fs (NM_001256850.1); c.72917del, p.Thr24306fs (NM_003319.4); c.92408del, p.Thr30803fs (NM_133378.4); c.73292del, p.Thr24431fs (NM_133432.3); c.73493del, p.Thr24498fs (NM_133437.4); short protein forms T24306fs, T31730fs, T33371fs, T24498fs, T24431fs, T30803fs.
Identifiers: ClinVar variation 2926834 (VCV002926834.3), dbSNP rs2468651526, ClinGen allele CA2740096322.

ClinVar aggregate classification (germline): Likely pathogenic (1 of 4 stars; one submission).

Conditions:
Dilated cardiomyopathy 1G (CMD1G). Identifiers: Orphanet 154, MedGen C1858763, MONDO:0011400, OMIM 604145.
Autosomal recessive limb-girdle muscular dystrophy type 2J (LGMDR10). Also called: Limb-girdle muscular dystrophy, type 2J; MUSCULAR DYSTROPHY, LIMB-GIRDLE, AUTOSOMAL RECESSIVE 10. Identifiers: Orphanet 140922, MedGen C1837342, MONDO:0012127, OMIM 608807.

Submission:

Labcorp Genetics (formerly Invitae), Labcorp
Classification: Likely pathogenic for Dilated cardiomyopathy 1G; Autosomal recessive limb-girdle muscular dystrophy type 2J. Last evaluated: 2025-03-09. Review status: criteria provided, single submitter. Criteria: Invitae Variant Classification Sherloc (09022015). Collection method: clinical testing. Allele origin: germline.
Comment: This sequence change creates a premature translational stop signal (p.Thr33371Ilefs*8) in the TTN gene. While this is not anticipated to result in nonsense mediated decay, it is expected to create a truncated TTN protein. This variant is not present in population databases (gnomAD no frequency). This variant has not been reported in the literature in individuals affected with TTN-related conditions. ClinVar contains an entry for this variant (Variation ID: 2926834). This variant is located in the A band of TTN (PMID: 25589632). Truncating variants in this region are significantly overrepresented in patients affected with dilated cardiomyopathy (PMID: 25589632). Truncating variants in this region have also been reported in individuals affected with autosomal recessive centronuclear myopathy (PMID: 23975875). In summary, the currently available evidence indicates that the variant is pathogenic, but additional data are needed to prove that conclusively. Therefore, this variant has been classified as Likely Pathogenic.

Literature cited by the submitters: PubMed 25589632; PubMed 23975875.